The following is an entry in ClinVar:

NM_000545.8(HNF1A):c.490A>G (p.Thr164Ala)

Gene: HNF1A (HNF1 homeobox A; plus strand). Cytogenetic location: 12q24.31.
Variant type: single nucleotide variant.
Coding change: c.490A>G on transcript NM_000545.8 (MANE Select); coding-DNA position 490, A replaced by G.
Protein change: p.Thr164Ala; replaces threonine 164 with alanine.
Molecular consequence: missense variant.
Genome position (GRCh38, 1-based): chr12:120,988,996, A>G. VCF-style: chr12-120988996-A-G. GRCh37 (hg19) VCF-style: chr12-121426799-A-G.
Other names: c.490A>G, p.Thr164Ala (NM_001306179.2, NM_001406915.1); short protein forms T164A.
Identifiers: ClinVar variation 4741864 (VCV004741864.1).
Genomic context (GRCh38, chr12:120,988,996, plus strand): 5'-CTGTCCCAACACCTCAACAAGGGCACTCCCATGAAGACGCAGAAGCGGGCCGCCCTGTAC[A>G]CCTGGTACGTCCGCAAGCAGCGAGAGGTGGCGCAGCGTAAGTAATGACCCTACCCCGCAT-3'
Protein context (NP_000536.6, residues 154-174): MKTQKRAALY[Thr164Ala]WYVRKQREVA

ClinVar aggregate classification (germline): Uncertain significance (1 of 4 stars; one submission).

gnomAD v4.1: 22 of 1,614,070 alleles (0.0014%); highest among the groups gnomAD compares: Non-Finnish European, 0.0018%; no homozygotes.

Submission:

Labcorp Genetics (formerly Invitae), Labcorp
Classification: Uncertain significance. Last evaluated: 2025-06-27. Review status: criteria provided, single submitter. Criteria: Invitae Variant Classification Sherloc (09022015). Collection method: clinical testing. Allele origin: germline.
Comment: This sequence change replaces threonine, which is neutral and polar, with alanine, which is neutral and non-polar, at codon 164 of the HNF1A protein (p.Thr164Ala). This variant is present in population databases (rs772597940, gnomAD 0.004%). This missense change has been observed in individual(s) with clinical features of HNF1A-related conditions (PMID: 31291970). Invitae Evidence Modeling of protein sequence and biophysical properties (such as structural, functional, and spatial information, amino acid conservation, physicochemical variation, residue mobility, and thermodynamic stability) indicates that this missense variant is not expected to disrupt HNF1A protein function with a negative predictive value of 80%. In summary, the available evidence is currently insufficient to determine the role of this variant in disease. Therefore, it has been classified as a Variant of Uncertain Significance.

Literature cited by the submitters: PubMed 31291970.